The following is an entry in ClinVar:

ClinVar aggregate classification (germline): Conflicting classifications of pathogenicity. Review status: criteria provided, conflicting classifications (1 of 4 stars). 2 submissions from 2 submitters: Uncertain significance (1); Likely benign (1). Last evaluated 2023-01-01.

Conditions:
Congenital muscular hypertrophy-cerebral syndrome (CDLS2). Also called: Cornelia de Lange syndrome 2; SMC1A-Related Cornelia de Lange Syndrome. Identifiers: Orphanet 199, MedGen C1802395, MONDO:0010370, OMIM 300590.

Allele frequency attached by ClinVar (database versions not stated): TOPMed 0.00032; gnomAD 0.00040; gnomAD exomes 0.00249.
gnomAD v4.1: 45 of 111,967 alleles (0.04%); highest among the groups gnomAD compares: Non-Finnish European, 0.083%; no homozygotes.

Submissions (2):

CeGaT Center for Human Genetics Tuebingen
Classification: Likely benign. Last evaluated: 2023-01-01. Review status: criteria provided, single submitter. Criteria: CeGaT Center For Human Genetics Tuebingen Variant Classification Criteria Version 2. Collection method: clinical testing. Allele origin: germline. Affected: yes. Observed: 1 variant allele.
Comment: SMC1A: BS2

Illumina Laboratory Services, Illumina
Classification: Uncertain significance for Congenital muscular hypertrophy-cerebral syndrome. Last evaluated: 2018-01-13. Review status: criteria provided, single submitter. Criteria: ICSL Variant Classification Criteria 13 December 2019. Collection method: clinical testing. Allele origin: germline.

NM_006306.4(SMC1A):c.*5489G>T

Gene: SMC1A (structural maintenance of chromosomes 1A; minus strand). Cytogenetic location: Xp11.22.
Variant type: single nucleotide variant.
Coding change: c.*5489G>T on transcript NM_006306.4 (MANE Select); 5489 bases downstream of the stop codon, G replaced by T.
Molecular consequence: 3 prime UTR variant.
Genome position (GRCh38, 1-based): chrX:53,374,614, C>A on the plus strand (G>T on the coding strand, the complement: SMC1A is on the minus strand). VCF-style: chrX-53374614-C-A. GRCh37 (hg19) VCF-style: chrX-53401535-C-A.
Other names: c.*5489G>T (NM_001281463.1).
Identifiers: ClinVar variation 914504 (VCV000914504.28), dbSNP rs1007398058, ClinGen allele CA329905777.
Genomic context (GRCh38, chrX:53,374,614, plus strand): 5'-CTGGCTACCTTGTGGTTCTTGCAGTCTCATCGCTTCTACTGTCTCATGATCTTATCTATT[C>A]AAGCCTTCTGCTGCTTTGTGGATCTCATAGTCAGTTTTGTCTCACGGTTTCTGTTCCTCG-3'